The following is an entry in ClinVar:

ClinVar aggregate classification (germline): Uncertain significance (1 of 4 stars; one submission).

Conditions:
Autosomal dominant hypocalcemia 1 (HYPOC1). Also called: HYPOCALCEMIA, FAMILIAL. Identifiers: MedGen C3715128, MONDO:0011013, OMIM 601198.
Familial hypocalciuric hypercalcemia (FHH). Also called: Familial benign hypercalcemia. Identifiers: Orphanet 405, MedGen C1809471, MONDO:0018458.

gnomAD v4.1: 1 of 1,614,204 alleles (0.000062%); highest among the groups gnomAD compares: Non-Finnish European, 0.000085%; no homozygotes.

Submission:

Labcorp Genetics (formerly Invitae), Labcorp
Classification: Uncertain significance for Familial hypocalciuric hypercalcemia; Autosomal dominant hypocalcemia 1. Last evaluated: 2022-08-16. Review status: criteria provided, single submitter. Criteria: Invitae Variant Classification Sherloc (09022015). Collection method: clinical testing. Allele origin: germline.
Comment: In summary, the available evidence is currently insufficient to determine the role of this variant in disease. Therefore, it has been classified as a Variant of Uncertain Significance. ClinVar contains an entry for this variant (Variation ID: 1010950). This variant has not been reported in the literature in individuals affected with CASR-related conditions. This variant is not present in population databases (gnomAD no frequency). This sequence change creates a premature translational stop signal (p.Gln1040*) in the CASR gene. While this is not anticipated to result in nonsense mediated decay, it is expected to disrupt the last 39 amino acid(s) of the CASR protein.

NM_000388.4(CASR):c.3118C>T (p.Gln1040Ter)

Gene: CASR (calcium sensing receptor; plus strand). Cytogenetic location: 3q21.1.
Variant type: single nucleotide variant.
Coding change: c.3118C>T on transcript NM_000388.4 (MANE Select); coding-DNA position 3118, C replaced by T.
Protein change: p.Gln1040Ter; replaces glutamine 1040 with a stop codon.
Molecular consequence: nonsense.
Genome position (GRCh38, 1-based): chr3:122,285,072, C>T. VCF-style: chr3-122285072-C-T. GRCh37 (hg19) VCF-style: chr3-122003919-C-T.
Other names: c.3148C>T, p.Gln1050Ter (NM_001178065.2); short protein forms Q1040*, Q1050*.
Identifiers: ClinVar variation 1010950 (VCV001010950.7), dbSNP rs1007139212, ClinGen allele CA354161470.
Genomic context (GRCh38, chr3:122,285,072, plus strand): 5'-GAAACGGACTTAGATCTGACCGTCCAGGAAACAGGTCTGCAAGGACCTGTGGGTGGAGAC[C>T]AGCGGCCAGAGGTGGAGGACCCTGAAGAGTTGTCCCCAGCACTTGTAGTGTCCAGTTCAC-3'